The following is an entry in ClinVar:

ClinVar aggregate classification (germline): Conflicting classifications of pathogenicity. Review status: criteria provided, conflicting classifications (1 of 4 stars). 3 submissions from 3 submitters: Uncertain significance (2); Benign (1). Last evaluated 2025-12-30.

Conditions:
Perlman syndrome (PRLMNS). Identifiers: Orphanet 2849, MedGen C0796113, MONDO:0009965, OMIM 267000.

Allele frequency attached by ClinVar (database versions not stated): gnomAD 0.00005 and 0.00009; TOPMed 0.00007; gnomAD exomes 0.00008 and 0.00015; ExAC 0.00015.
gnomAD v4.1: 125 of 1,613,718 alleles (0.0077%); highest among the groups gnomAD compares: Middle Eastern, 0.099%; no homozygotes.

Submissions (3):

Labcorp Genetics (formerly Invitae), Labcorp
Classification: Benign for Perlman syndrome. Last evaluated: 2025-12-30. Review status: criteria provided, single submitter. Criteria: Invitae Variant Classification Sherloc (09022015). Collection method: clinical testing. Allele origin: germline.

Revvity Omics, Revvity
Classification: Uncertain significance for Perlman syndrome. Last evaluated: 2025-07-16. Review status: criteria provided, single submitter. Criteria: ACMG Guidelines, 2015. Collection method: clinical testing. Allele origin: germline.

GeneDx
Classification: Uncertain significance. Last evaluated: 2023-05-08. Review status: criteria provided, single submitter. Criteria: GeneDx Variant Classification Process June 2021. Collection method: clinical testing. Allele origin: germline. Affected: yes.
Comment: In silico analysis supports that this missense variant does not alter protein structure/function; This variant is associated with the following publications: (PMID: 28135719, 31785789, 28191890)

NM_152383.5(DIS3L2):c.1300G>A (p.Val434Ile)

Gene: DIS3L2 (DIS3 like 3'-5' exoribonuclease 2; plus strand). Cytogenetic location: 2q37.1.
Variant type: single nucleotide variant.
Coding change: c.1300G>A on transcript NM_152383.5 (MANE Select); coding-DNA position 1300, G replaced by A.
Protein change: p.Val434Ile; replaces valine 434 with isoleucine.
Molecular consequence: missense variant. On other transcripts: non-coding transcript variant (2).
Genome position (GRCh38, 1-based): chr2:232,238,628, G>A. VCF-style: chr2-232238628-G-A. GRCh37 (hg19) VCF-style: chr2-233103338-G-A.
Other names: c.1300G>A, p.Val434Ile (NM_001257281.2); short protein forms V434I.
Identifiers: ClinVar variation 410753 (VCV000410753.13), dbSNP rs758366698, ClinGen allele CA2164102.